The following is an entry in ClinVar:

ClinVar aggregate classification (germline): Uncertain significance (1 of 4 stars; one submission).

Conditions:
Inborn genetic diseases. Identifiers: MedGen C0950123, MeSH D030342.

Submission:

Ambry Genetics
Classification: Uncertain significance for Inborn genetic diseases. Last evaluated: 2025-08-09. Review status: criteria provided, single submitter. Criteria: Ambry Variant Classification Scheme 2023. Collection method: clinical testing. Allele origin: germline.
Comment: The p.K1583Q variant (also known as c.4747A>C), located in coding exon 19 of the FANCM gene, results from an A to C substitution at nucleotide position 4747. The lysine at codon 1583 is replaced by glutamine, an amino acid with similar properties. This amino acid position is conserved. In addition, this alteration is predicted to be tolerated by in silico analysis. Based on the available evidence, the clinical significance of this variant remains unclear.

NM_020937.4(FANCM):c.4747A>C (p.Lys1583Gln)

Gene: FANCM (FA complementation group M; plus strand). Cytogenetic location: 14q21.2.
Variant type: single nucleotide variant.
Coding change: c.4747A>C on transcript NM_020937.4 (MANE Select); coding-DNA position 4747, A replaced by C.
Protein change: p.Lys1583Gln; replaces lysine 1583 with glutamine.
Molecular consequence: missense variant.
Genome position (GRCh38, 1-based): chr14:45,187,855, A>C. VCF-style: chr14-45187855-A-C. GRCh37 (hg19) VCF-style: chr14-45657058-A-C.
Other names: c.4669A>C, p.Lys1557Gln (NM_001308133.2); short protein forms K1583Q, K1557Q.
Identifiers: ClinVar variation 4254658 (VCV004254658.1).
Genomic context (GRCh38, chr14:45,187,855, plus strand): 5'-GCTATTTACATGAAATCTTTGCGTAGTCCAATGATGAACAATAAGTACAAAATGATTCAT[A>C]AGACACATAAAAACATAAACATTTTCTCGCAGGTATGAACTATAGAAATATAATGGAGAA-3'
Protein context (NP_065988.1, residues 1573-1593): MMNNKYKMIH[Lys1583Gln]THKNINIFSQ